The following is an entry in ClinVar:

ClinVar aggregate classification (germline): Uncertain significance (1 of 4 stars; one submission).

Submission:

GeneDx
Classification: Uncertain significance. Last evaluated: 2024-04-28. Review status: criteria provided, single submitter. Criteria: GeneDx Variant Classification Process June 2021. Collection method: clinical testing. Allele origin: germline. Affected: yes.
Comment: Not observed at significant frequency in large population cohorts (gnomAD); In silico analysis supports that this missense variant has a deleterious effect on protein structure/function; Has not been previously published as pathogenic or benign to our knowledge

NM_005413.4(SIX3):c.626A>G (p.Lys209Arg)

Gene: SIX3 (SIX homeobox 3; plus strand). Cytogenetic location: 2p21.
Variant type: single nucleotide variant.
Coding change: c.626A>G on transcript NM_005413.4 (MANE Select); coding-DNA position 626, A replaced by G.
Protein change: p.Lys209Arg; replaces lysine 209 with arginine.
Molecular consequence: missense variant.
Genome position (GRCh38, 1-based): chr2:44,942,730, A>G. VCF-style: chr2-44942730-A-G. GRCh37 (hg19) VCF-style: chr2-45169869-A-G.
Other names: short protein forms K209R.
Identifiers: ClinVar variation 3373093 (VCV003373093.1).